The following is an entry in ClinVar:

NM_152393.4(KLHL40):c.703G>T (p.Glu235Ter)

Gene: KLHL40 (kelch like family member 40; plus strand). Cytogenetic location: 3p22.1.
Variant type: single nucleotide variant.
Coding change: c.703G>T on transcript NM_152393.4 (MANE Select); coding-DNA position 703, G replaced by T.
Protein change: p.Glu235Ter; replaces glutamic acid 235 with a stop codon.
Molecular consequence: nonsense.
Genome position (GRCh38, 1-based): chr3:42,686,321, G>T. VCF-style: chr3-42686321-G-T. GRCh37 (hg19) VCF-style: chr3-42727813-G-T.
Other names: short protein forms E235*.
Identifiers: ClinVar variation 1029197 (VCV001029197.2), dbSNP rs768335581, ClinGen allele CA352290527.

ClinVar aggregate classification (germline): Pathogenic/Likely pathogenic. Review status: criteria provided, multiple submitters, no conflicts (2 of 4 stars). 2 submissions from 2 submitters: Pathogenic (1); Likely pathogenic (1). Last evaluated 2022-02-01.

Conditions:
Nemaline myopathy 8 (NEM8). Also called: Nemaline myopathy 8, autosomal recessive. Identifiers: Orphanet 171430, MedGen C3809209, MONDO:0014138, OMIM 615348.

Submissions (2):

Daryl Scott Lab, Baylor College of Medicine
Classification: Likely pathogenic for Nemaline myopathy 8. Last evaluated: 2022-02-01. Review status: criteria provided, single submitter. Criteria: ACMG Guidelines, 2015. Collection method: clinical testing. Allele origin: unknown. Affected: yes. Observed: 1 variant allele, 1 homozygote.

Baylor Genetics
Classification: Pathogenic for Nemaline myopathy 8. Last evaluated: 2019-09-12. Review status: criteria provided, single submitter. Criteria: ACMG Guidelines, 2015. Collection method: clinical testing. Allele origin: unknown. Affected: yes.
Comment: This variant was determined to be pathogenic according to ACMG Guidelines, 2015 [PMID:25741868].

Literature cited by the submitters: PubMed 36474027 (cited by Daryl Scott Lab, Baylor College of Medicine).